The following is an entry in ClinVar:

ClinVar aggregate classification (germline): Uncertain significance (1 of 4 stars; one submission).

Conditions:
Hereditary cancer-predisposing syndrome. Also called: Neoplastic Syndromes, Hereditary; Hereditary neoplastic syndrome; Tumor predisposition; Hereditary Cancer Syndrome. Identifiers: Orphanet 140162, MedGen C0027672, MeSH D009386, MONDO:0015356.

Submission:

Ambry Genetics
Classification: Uncertain significance for Hereditary cancer-predisposing syndrome. Last evaluated: 2026-01-15. Review status: criteria provided, single submitter. Criteria: Ambry Variant Classification Scheme 2023. Collection method: clinical testing. Allele origin: germline.
Comment: The p.E261K variant (also known as c.781G>A), located in coding exon 4 of the MSH3 gene, results from a G to A substitution at nucleotide position 781. The glutamic acid at codon 261 is replaced by lysine, an amino acid with similar properties. This amino acid position is conserved. In addition, the in silico prediction for this alteration is inconclusive. Based on the available evidence, the clinical significance of this variant remains unclear.

NM_002439.5(MSH3):c.781G>A (p.Glu261Lys)

Gene: MSH3 (mutS homolog 3; plus strand). Cytogenetic location: 5q14.1.
Variant type: single nucleotide variant.
Coding change: c.781G>A on transcript NM_002439.5 (MANE Select); coding-DNA position 781, G replaced by A.
Protein change: p.Glu261Lys; replaces glutamic acid 261 with lysine.
Molecular consequence: missense variant.
Genome position (GRCh38, 1-based): chr5:80,670,298, G>A. VCF-style: chr5-80670298-G-A. GRCh37 (hg19) VCF-style: chr5-79966117-G-A.
Other names: short protein forms E261K.
Identifiers: ClinVar variation 4824370 (VCV004824370.1).